The following is an entry in ClinVar:

NM_000143.4(FH):c.30_47dup (p.Arg16_Ala17insSerArgProLeuValArg)

Gene: FH (fumarate hydratase; minus strand). Cytogenetic location: 1q43.
Variant type: Duplication.
Coding change: c.30_47dup on transcript NM_000143.4 (MANE Select); coding-DNA positions 30 to 47, 18 bases duplicated (CTCGCGTCCCCTCGTGCG).
Protein change: p.Arg16_Ala17insSerArgProLeuValArg.
Genome position (GRCh38, 1-based): chr1:241,519,676-241,519,693, CGCACGAGGGGACGCGAG duplicated on the plus strand (CTCGCGTCCCCTCGTGCG on the coding strand, the reverse complement: FH is on the minus strand); duplicating any 18 consecutive bases within chr1:241,519,676-241,519,696 gives the same sequence; the c. name uses the placement nearest the transcript's 3' end. VCF-style (leftmost placement, unchanged base first): chr1-241519675-C-CCGCACGAGGGGACGCGAG. GRCh37 (hg19) VCF-style: chr1-241682975-C-CCGCACGAGGGGACGCGAG.
Other names: c.30_47dupCTCGCGTCCCCTCGTGCG (NM_000143.3).
Identifiers: ClinVar variation 3663765 (VCV003663765.3).

ClinVar aggregate classification (germline): Uncertain significance. Review status: criteria provided, multiple submitters, no conflicts (2 of 4 stars). 2 submissions from 2 submitters: Uncertain significance (2). Last evaluated 2026-06-25.

Conditions:
Hereditary cancer-predisposing syndrome. Also called: Tumor predisposition; Hereditary neoplastic syndrome; Hereditary Cancer Syndrome; Neoplastic Syndromes, Hereditary. Identifiers: Orphanet 140162, MedGen C0027672, MeSH D009386, MONDO:0015356.

Submissions (2):

Ambry Genetics
Classification: Uncertain significance for Hereditary cancer-predisposing syndrome. Last evaluated: 2026-06-25. Review status: criteria provided, single submitter. Criteria: Ambry Variant Classification Scheme 2023. Collection method: clinical testing. Allele origin: germline.
Comment: The c.30_47dup18 variant (also known as p.S11_R16dup), located in coding exon 1 of the FH gene, results from an in-frame duplication of 18 nucleotides at nucleotide positions 30 to 47. This results in the duplication of 6 extra residues (SRPLVR) between codons 11 and 16. These amino acid positions are not well conserved in available vertebrate species. In addition, this variant is predicted to be neutral by in silico analysis (Choi Y et al. PLoS ONE. 2012; 7(10):e46688). Based on the available evidence, the clinical significance of this variant remains unclear.

Labcorp Genetics (formerly Invitae), Labcorp
Classification: Uncertain significance. Last evaluated: 2025-05-27. Review status: criteria provided, single submitter. Criteria: Invitae Variant Classification Sherloc (09022015). Collection method: clinical testing. Allele origin: germline.
Comment: This variant, c.30_47dup, results in the insertion of 6 amino acid(s) of the FH protein (p.Ser11_Arg16dup), but otherwise preserves the integrity of the reading frame. This variant is not present in population databases (gnomAD no frequency). This variant has not been reported in the literature in individuals affected with FH-related conditions. ClinVar contains an entry for this variant (Variation ID: 3663765). In summary, the available evidence is currently insufficient to determine the role of this variant in disease. Therefore, it has been classified as a Variant of Uncertain Significance.